The following is an entry in ClinVar:

NM_020937.4(FANCM):c.2816G>A (p.Gly939Glu)

Gene: FANCM (FA complementation group M; plus strand). Cytogenetic location: 14q21.2.
Variant type: single nucleotide variant.
Coding change: c.2816G>A on transcript NM_020937.4 (MANE Select); coding-DNA position 2816, G replaced by A.
Protein change: p.Gly939Glu; replaces glycine 939 with glutamic acid.
Molecular consequence: missense variant.
Genome position (GRCh38, 1-based): chr14:45,175,570, G>A. VCF-style: chr14-45175570-G-A. GRCh37 (hg19) VCF-style: chr14-45644773-G-A.
Other names: c.2738G>A, p.Gly913Glu (NM_001308133.2); short protein forms G939E, G913E.
Identifiers: ClinVar variation 4619544 (VCV004619544.1).
Genomic context (GRCh38, chr14:45,175,570, plus strand): 5'-AACCGTGTGTGTTATTAACAGAGTGTCAGTTTACAAATAAATCCACTAGTTCACTTGCTG[G>A]AAATGTTTTAGATTCTGGTTATAACAGTTTCAATGATGAAAAATCTGTTTCATCTAACTT-3'
Protein context (NP_065988.1, residues 929-949): FTNKSTSSLA[Gly939Glu]NVLDSGYNSF

ClinVar aggregate classification (germline): Uncertain significance (1 of 4 stars; one submission).

Conditions:
Inborn genetic diseases. Identifiers: MedGen C0950123, MeSH D030342.

Submission:

Ambry Genetics
Classification: Uncertain significance for Inborn genetic diseases. Last evaluated: 2025-10-30. Review status: criteria provided, single submitter. Criteria: Ambry Variant Classification Scheme 2023. Collection method: clinical testing. Allele origin: germline.
Comment: The p.G939E variant (also known as c.2816G>A), located in coding exon 14 of the FANCM gene, results from a G to A substitution at nucleotide position 2816. The glycine at codon 939 is replaced by glutamic acid, an amino acid with similar properties. This amino acid position is conserved. In addition, this alteration is predicted to be tolerated by in silico analysis. Based on the available evidence, the clinical significance of this variant remains unclear.